The following is an entry in ClinVar:

NM_005120.3(MED12):c.4617+19G>A

Gene: MED12 (mediator complex subunit 12; plus strand). Cytogenetic location: Xq13.1.
Variant type: single nucleotide variant.
Coding change: c.4617+19G>A on transcript NM_005120.3 (MANE Select); 19 bases into the intron after coding-DNA position 4617, G replaced by A.
Molecular consequence: intron variant.
Genome position (GRCh38, 1-based): chrX:71,133,231, G>A. VCF-style: chrX-71133231-G-A. GRCh37 (hg19) VCF-style: chrX-70353081-G-A.
Identifiers: ClinVar variation 4765065 (VCV004765065.1).

ClinVar aggregate classification (germline): Uncertain significance (1 of 4 stars; one submission).

Conditions:
FG syndrome (FGS). Identifiers: MedGen C0220769, MONDO:0002010.

gnomAD v4.1: 1 of 1,103,938 alleles (0.000091%); highest among the groups gnomAD compares: African/African-American, 0.0018%; no homozygotes.

Submission:

Labcorp Genetics (formerly Invitae), Labcorp
Classification: Uncertain significance for FG syndrome. Last evaluated: 2025-08-06. Review status: criteria provided, single submitter. Criteria: Invitae Variant Classification Sherloc (09022015). Collection method: clinical testing. Allele origin: germline.
Comment: This sequence change falls in intron 33 of the MED12 gene. It does not directly change the encoded amino acid sequence of the MED12 protein. This variant is present in population databases (rs764747087, gnomAD 0.008%). This variant has not been reported in the literature in individuals affected with MED12-related conditions. Algorithms developed to predict the effect of sequence changes on RNA splicing suggest that this variant may create or strengthen a splice site. In summary, the available evidence is currently insufficient to determine the role of this variant in disease. Therefore, it has been classified as a Variant of Uncertain Significance.